The following is an entry in ClinVar:

NM_005708.5(GPC6):c.113G>C (p.Gly38Ala)

Gene: GPC6 (glypican 6; plus strand). Cytogenetic location: 13q31.3.
Variant type: single nucleotide variant.
Coding change: c.113G>C on transcript NM_005708.5 (MANE Select); coding-DNA position 113, G replaced by C.
Protein change: p.Gly38Ala; replaces glycine 38 with alanine.
Molecular consequence: missense variant.
Genome position (GRCh38, 1-based): chr13:93,227,569, G>C. VCF-style: chr13-93227569-G-C. GRCh37 (hg19) VCF-style: chr13-93879822-G-C.
Other names: short protein forms G38A.
Identifiers: ClinVar variation 1923138 (VCV001923138.2), dbSNP rs1318040491, ClinGen allele CA388464515.

ClinVar aggregate classification (germline): Uncertain significance (1 of 4 stars; one submission).

Allele frequency attached by ClinVar (database versions not stated): gnomAD exomes below 0.00001; gnomAD 0.00001.
gnomAD v4.1: 3 of 1,612,292 alleles (0.00019%); highest among the groups gnomAD compares: Admixed American, 0.005%; no homozygotes.

Submission:

Labcorp Genetics (formerly Invitae), Labcorp
Classification: Uncertain significance. Last evaluated: 2022-04-01. Review status: criteria provided, single submitter. Criteria: Invitae Variant Classification Sherloc (09022015). Collection method: clinical testing. Allele origin: germline.
Comment: This sequence change replaces glycine, which is neutral and non-polar, with alanine, which is neutral and non-polar, at codon 38 of the GPC6 protein (p.Gly38Ala). This variant is not present in population databases (gnomAD no frequency). This variant has not been reported in the literature in individuals affected with GPC6-related conditions. Algorithms developed to predict the effect of missense changes on protein structure and function (SIFT, PolyPhen-2, Align-GVGD) all suggest that this variant is likely to be tolerated. In summary, the available evidence is currently insufficient to determine the role of this variant in disease. Therefore, it has been classified as a Variant of Uncertain Significance.